The following is an entry in ClinVar:

ClinVar aggregate classification (germline): Likely benign (1 of 4 stars; one submission).

Submission:

CeGaT Center for Human Genetics Tuebingen
Classification: Likely benign. Last evaluated: 2026-01-01. Review status: criteria provided, single submitter. Criteria: CeGaT Center For Human Genetics Tuebingen Variant Classification Criteria Version 2. Collection method: clinical testing. Allele origin: germline. Affected: yes. Observed: 1 variant allele.
Comment: EMG1: BP4, BP7

NM_006331.8(EMG1):c.387C>T (p.Thr129=)

Gene: EMG1 (EMG1 N1-specific pseudouridine methyltransferase; plus strand). Cytogenetic location: 12p13.31.
Variant type: single nucleotide variant.
Coding change: c.387C>T on transcript NM_006331.8 (MANE Select); coding-DNA position 387, C replaced by T.
Protein change: p.Thr129=; no amino-acid change (threonine 129 retained).
Molecular consequence: synonymous variant. On other transcripts: non-coding transcript variant (1).
Genome position (GRCh38, 1-based): chr12:6,974,668, C>T. VCF-style: chr12-6974668-C-T. GRCh37 (hg19) VCF-style: chr12-7083830-C-T.
Other names: c.387C>T, p.Thr129= (NM_001320049.2).
Identifiers: ClinVar variation 4821701 (VCV004821701.4).